The following is an entry in ClinVar:

NM_013322.3(SNX10):c.85_86insTTTTTTTTTTTTTTTTTTTTNNNNNNNNNNGACCTCGTGATCCGCCCGCCTCGGCCTCCCAAAGTGCTGGGATTACAGGCGTGAGCCACCGCGCCCGGCCTCTGGCATTCTT (p.Tyr29fs)

Gene: SNX10 (sorting nexin 10; plus strand). Cytogenetic location: 7p15.2.
Variant type: Insertion.
Coding change: c.85_86insTTTTTTTTTTTTTTTTTTTTNNNNNNNNNNGACCTCGTGATCCGCCCGCCTCGGCCTCCCAAAGTGCTGGGATTACAGGCGTGAGCCACCGCGCCCGGCCTCTGGCATTCTT on transcript NM_013322.3 (MANE Select); coding-DNA positions 85 to 86, TTTTTTTTTTTTTTTTTTTTNNNNNNNNNNGACCTCGTGATCCGCCCGCCTCGGCCTCCCAAAGTGCTGGGATTACAGGCGTGAGCCACCGCGCCCGGCCTCTGGCATTCTT inserted.
Protein change: p.Tyr29fs; shifts the reading frame from tyrosine 29.
Molecular consequence: frameshift variant.
Genome position: GRCh38: chr7:26,361,035-26,361,036. GRCh37 (hg19): chr7:26,400,655-26,400,656.
Other names: c.85_86insTTTTTTTTTTTTTTTTTTTTNNNNNNNNNNGACCTCGTGATCCGCCCGCCTCGGCCTCCCAAAGTGCTGGGATTACAGGCGTGAGCCACCGCGCCCGGCCTCTGGCATTCTT, p.Tyr29fs (NM_001199835.1, NM_001318199.3); c.76_77insTTTTTTTTTTTTTTTTTTTTNNNNNNNNNNGACCTCGTGATCCGCCCGCCTCGGCCTCCCAAAGTGCTGGGATTACAGGCGTGAGCCACCGCGCCCGGCCTCTGGCATTCTT, p.Tyr26fs (NM_001199837.3); c.163_164insTTTTTTTTTTTTTTTTTTTTNNNNNNNNNNGACCTCGTGATCCGCCCGCCTCGGCCTCCCAAAGTGCTGGGATTACAGGCGTGAGCCACCGCGCCCGGCCTCTGGCATTCTT, p.Tyr55fs (NM_001318198.1, NM_001362753.1, NM_001362754.1); short protein forms Y29fs, Y55fs, Y26fs.
Identifiers: ClinVar variation 2112070 (VCV002112070.4), dbSNP rs2536141413.

ClinVar aggregate classification (germline): Pathogenic (1 of 4 stars; one submission).

Submission:

Labcorp Genetics (formerly Invitae), Labcorp
Classification: Pathogenic. Last evaluated: 2022-03-14. Review status: criteria provided, single submitter. Criteria: Invitae Variant Classification Sherloc (09022015). Collection method: clinical testing. Allele origin: germline.
Comment: For these reasons, this variant has been classified as Pathogenic. Retrotransposon insertions including LINE1 (L1), Alu, and SVA (SINE-VNTR-Alu) have been reported to be disease-causing through disruption of either a coding region or splice site (PMID: 19763152, 20307669, 22406018) and loss-of-function variants in SNX10 are known to be pathogenic (PMID: 23123320, 23280965, 25811986). Algorithms developed to predict the effect of sequence changes on RNA splicing suggest that this variant may disrupt the consensus splice site. This variant has not been reported in the literature in individuals affected with SNX10-related conditions. This variant is not present in population databases (gnomAD no frequency). This sequence change inserts a large fragment of DNA, likely a transposable element, in exon 3 of the SNX10 gene (c.85_86ins?), causing a frameshift at codon 29 (p.Tyr29fs). The exact size and sequence of the insertion cannot be determined by the current assay. However, the insertion is expected to result in an absent or disrupted protein product.

Literature cited by the submitters: PubMed 19763152; PubMed 20307669; PubMed 22406018; PubMed 23123320; PubMed 23280965; PubMed 25811986.